The following is an entry in ClinVar:

NM_014159.7(SETD2):c.2155A>C (p.Asn719His)

Gene: SETD2 (SET domain containing 2, histone lysine methyltransferase; minus strand). Cytogenetic location: 3p21.31.
Variant type: single nucleotide variant.
Coding change: c.2155A>C on transcript NM_014159.7 (MANE Select); coding-DNA position 2155, A replaced by C.
Protein change: p.Asn719His; replaces asparagine 719 with histidine.
Molecular consequence: missense variant. On other transcripts: non-coding transcript variant (1).
Genome position (GRCh38, 1-based): chr3:47,122,481, T>G on the plus strand (A>C on the coding strand, the complement: SETD2 is on the minus strand). VCF-style: chr3-47122481-T-G. GRCh37 (hg19) VCF-style: chr3-47163971-T-G.
Other names: c.2023A>C, p.Asn675His (NM_001349370.3); short protein forms N719H, N675H.
Identifiers: ClinVar variation 936106 (VCV000936106.6), dbSNP rs115859828, ClinGen allele CA352527692.

ClinVar aggregate classification (germline): Uncertain significance (1 of 4 stars; one submission).

Conditions:
Luscan-Lumish syndrome. Identifiers: Orphanet 597738, MedGen C4085873, MONDO:0014791, OMIM 616831.

gnomAD v4.1: 1 of 1,614,178 alleles (0.000062%); highest among the groups gnomAD compares: South Asian, 0.0011%; no homozygotes.

Submission:

Labcorp Genetics (formerly Invitae), Labcorp
Classification: Uncertain significance for Luscan-Lumish syndrome. Last evaluated: 2019-06-07. Review status: criteria provided, single submitter. Criteria: Invitae Variant Classification Sherloc (09022015). Collection method: clinical testing. Allele origin: germline.
Comment: In summary, the available evidence is currently insufficient to determine the role of this variant in disease. Therefore, it has been classified as a Variant of Uncertain Significance. Algorithms developed to predict the effect of missense changes on protein structure and function are either unavailable or do not agree on the potential impact of this missense change (SIFT: "Tolerated"; PolyPhen-2: "Possibly Damaging"; Align-GVGD: "Class C0"). This variant has not been reported in the literature in individuals with SETD2-related conditions. This variant is not present in population databases (ExAC no frequency). This sequence change replaces asparagine with histidine at codon 719 of the SETD2 protein (p.Asn719His). The asparagine residue is moderately conserved and there is a small physicochemical difference between asparagine and histidine.